The following is an entry in ClinVar:

NM_000052.7(ATP7A):c.3811A>G (p.Thr1271Ala)

Gene: ATP7A (ATPase copper transporting alpha; plus strand). Cytogenetic location: Xq21.1.
Variant type: single nucleotide variant.
Coding change: c.3811A>G on transcript NM_000052.7 (MANE Select); coding-DNA position 3811, A replaced by G.
Protein change: p.Thr1271Ala; replaces threonine 1271 with alanine.
Molecular consequence: missense variant. On other transcripts: non-coding transcript variant (1).
Genome position (GRCh38, 1-based): chrX:78,042,594, A>G. VCF-style: chrX-78042594-A-G. GRCh37 (hg19) VCF-style: chrX-77298092-A-G.
Other names: c.3577A>G, p.Thr1193Ala (NM_001282224.2); c.3811A>G (NM_000052.4); short protein forms T1193A, T1271A.
Identifiers: ClinVar variation 2674615 (VCV002674615.5), dbSNP rs2078057282, ClinGen allele CA413605027.

ClinVar aggregate classification (germline): Uncertain significance. Review status: criteria provided, multiple submitters, no conflicts (2 of 4 stars). 3 submissions from 3 submitters: Uncertain significance (3). Last evaluated 2025-07-10.

Conditions:
Inborn genetic diseases. Identifiers: MedGen C0950123, MeSH D030342.
Cutis laxa, X-linked (OHS). Also called: EDS IX; Occipital horn syndrome. Identifiers: Orphanet 198, MedGen C0268353, MONDO:0010572, OMIM 304150.
Menkes kinky-hair syndrome (MNK). Also called: Classic Menkes Disease; Copper transport disease; Menkes Disease. Identifiers: Orphanet 565, MedGen C0022716, MONDO:0010651, OMIM 309400.
X-linked distal spinal muscular atrophy type 3. Also called: ATP7A-Related Distal Motor Neuropathy; SPINAL MUSCULAR ATROPHY, DISTAL, X-LINKED RECESSIVE; NEURONOPATHY, DISTAL HEREDITARY MOTOR, X-LINKED; NEUROPATHY, DISTAL HEREDITARY MOTOR, X-LINKED. Identifiers: Orphanet 139557, MedGen C1845359, MONDO:0010338, OMIM 300489.

Allele frequency attached by ClinVar (database versions not stated): TOPMed below 0.00001; gnomAD 0.00001.

Submissions (3):

Labcorp Genetics (formerly Invitae), Labcorp
Classification: Uncertain significance for X-linked distal spinal muscular atrophy type 3; Cutis laxa, X-linked; Menkes kinky-hair syndrome. Last evaluated: 2025-07-10. Review status: criteria provided, single submitter. Criteria: Invitae Variant Classification Sherloc (09022015). Collection method: clinical testing. Allele origin: germline.
Comment: This sequence change replaces threonine, which is neutral and polar, with alanine, which is neutral and non-polar, at codon 1271 of the ATP7A protein (p.Thr1271Ala). This variant is not present in population databases (gnomAD no frequency). This variant has not been reported in the literature in individuals affected with ATP7A-related conditions. ClinVar contains an entry for this variant (Variation ID: 2674615). Invitae Evidence Modeling of protein sequence and biophysical properties (such as structural, functional, and spatial information, amino acid conservation, physicochemical variation, residue mobility, and thermodynamic stability) indicates that this missense variant is not expected to disrupt ATP7A protein function with a negative predictive value of 95%. In summary, the available evidence is currently insufficient to determine the role of this variant in disease. Therefore, it has been classified as a Variant of Uncertain Significance.

Ambry Genetics
Classification: Uncertain significance for Inborn genetic diseases. Last evaluated: 2025-01-09. Review status: criteria provided, single submitter. Criteria: Ambry Variant Classification Scheme 2023. Collection method: clinical testing. Allele origin: germline.

Division Of Personalized Genomic Medicine, Columbia University Irving Medical Center
Classification: Uncertain significance for Menkes kinky-hair syndrome. Last evaluated: 2021-07-02. Review status: criteria provided, single submitter. Criteria: ACMG Guidelines, 2015. Collection method: clinical testing. Allele origin: maternal. Inheritance: X-linked inheritance. Observed: 1 hemizygote.
Comment: This variant localizes to coding exon 20 of the ATP7A gene (23 exons total; NM_000052.7). Predictions of the effect of this variant on protein structure and/or function based on in-silico analyses are inconsistent (SIFT – tolerated, PolyPhen2 - benign). This variant is absent in the Genome Aggregation Database (gnomAD), indicating it is not a common benign variant in the populations represented in this database. To the best of our knowledge, this specific variant has not been described in the literature to be associated with disease. A different amino acid change at the same residue has been classified by two other clinical laboratories as a variant of uncertain significance (ClinVar, variation ID: 1000979).